The following is an entry in ClinVar:

NM_003114.5(SPAG1):c.1924G>A (p.Ala642Thr)

Gene: SPAG1 (sperm associated antigen 1; plus strand). Cytogenetic location: 8q22.2.
Variant type: single nucleotide variant.
Coding change: c.1924G>A on transcript NM_003114.5 (MANE Select); coding-DNA position 1924, G replaced by A.
Protein change: p.Ala642Thr; replaces alanine 642 with threonine.
Molecular consequence: missense variant.
Genome position (GRCh38, 1-based): chr8:100,231,224, G>A. VCF-style: chr8-100231224-G-A. GRCh37 (hg19) VCF-style: chr8-101243452-G-A.
Other names: c.1924G>A, p.Ala642Thr (NM_001374321.1, NM_172218.3); short protein forms A642T.
Identifiers: ClinVar variation 835240 (VCV000835240.11), dbSNP rs773145801, ClinGen allele CA4827626.

ClinVar aggregate classification (germline): Uncertain significance. Review status: criteria provided, multiple submitters, no conflicts (2 of 4 stars). 2 submissions from 2 submitters: Uncertain significance (2). Last evaluated 2024-12-02.

Conditions:
Primary ciliary dyskinesia 28. Also called: CILIARY DYSKINESIA, PRIMARY, 28, WITH OR WITHOUT SITUS INVERSUS. Identifiers: Orphanet 244, MedGen C3809706, MONDO:0014216, OMIM 615505.
Primary ciliary dyskinesia. Also called: Ciliary dyskinesia. Identifiers: Orphanet 244, MedGen C0008780, MONDO:0016575, HP:0012265.

Allele frequency attached by ClinVar (database versions not stated): gnomAD 0.00001; gnomAD exomes 0.00001 and 0.00002; TOPMed 0.00001; ExAC 0.00002.
gnomAD v4.1: 19 of 1,604,956 alleles (0.0012%); highest among the groups gnomAD compares: South Asian, 0.016%; no homozygotes.

Submissions (2):

Ambry Genetics
Classification: Uncertain significance for Primary ciliary dyskinesia. Last evaluated: 2024-12-02. Review status: criteria provided, single submitter. Criteria: Ambry Variant Classification Scheme 2023. Collection method: clinical testing. Allele origin: germline.

Labcorp Genetics (formerly Invitae), Labcorp
Classification: Uncertain significance for Primary ciliary dyskinesia 28. Last evaluated: 2019-03-13. Review status: criteria provided, single submitter. Criteria: Invitae Variant Classification Sherloc (09022015). Collection method: clinical testing. Allele origin: germline.
Comment: This sequence change replaces alanine with threonine at codon 642 of the SPAG1 protein (p.Ala642Thr). The alanine residue is highly conserved and there is a small physicochemical difference between alanine and threonine. This variant is present in population databases (rs773145801, ExAC 0.01%). This variant has not been reported in the literature in individuals with SPAG1-related conditions. Algorithms developed to predict the effect of missense changes on protein structure and function (SIFT, PolyPhen-2, Align-GVGD) all suggest that this variant is likely to be disruptive, but these predictions have not been confirmed by published functional studies and their clinical significance is uncertain. In summary, the available evidence is currently insufficient to determine the role of this variant in disease. Therefore, it has been classified as a Variant of Uncertain Significance.